The following is an entry in ClinVar:

ClinVar aggregate classification (germline): Benign (1 of 4 stars; one submission).

Allele frequency attached by ClinVar (database versions not stated): gnomAD 0.21550 and 0.22040; TOPMed 0.21657; 1000 Genomes Project 30x 0.22142; 1000 Genomes Project 0.22744.
gnomAD v4.1: 33,431 of 152,128 alleles (22%); highest among the groups gnomAD compares: East Asian, 31%; 4,135 homozygotes.

Submission:

GeneDx
Classification: Benign. Last evaluated: 2018-06-14. Review status: criteria provided, single submitter. Criteria: GeneDx Variant Classification (06012015). Collection method: clinical testing. Allele origin: germline. Affected: yes.
Comment: This variant is considered likely benign or benign based on one or more of the following criteria: it is a conservative change, it occurs at a poorly conserved position in the protein, it is predicted to be benign by multiple in silico algorithms, and/or has population frequency not consistent with disease.

NM_147127.5(EVC2):c.870+176C>T

Gene: EVC2 (EvC ciliary complex subunit 2; minus strand). Cytogenetic location: 4p16.2.
Variant type: single nucleotide variant.
Coding change: c.870+176C>T on transcript NM_147127.5 (MANE Select); 176 bases into the intron after coding-DNA position 870, C replaced by T.
Molecular consequence: intron variant.
Genome position (GRCh38, 1-based): chr4:5,681,084, G>A on the plus strand (C>T on the coding strand, the complement: EVC2 is on the minus strand). VCF-style: chr4-5681084-G-A. GRCh37 (hg19) VCF-style: chr4-5682811-G-A.
Other names: c.630+176C>T (NM_001166136.2).
Identifiers: ClinVar variation 669995 (VCV000669995.1), dbSNP rs10937658, ClinGen allele CA11677277.